The following is an entry in ClinVar:

ClinVar aggregate classification (germline): Uncertain significance (1 of 4 stars; one submission).

gnomAD v4.1: 1 of 1,613,866 alleles (0.000062%); highest among the groups gnomAD compares: African/African-American, 0.0013%; no homozygotes.

Submission:

Labcorp Genetics (formerly Invitae), Labcorp
Classification: Uncertain significance. Last evaluated: 2022-03-02. Review status: criteria provided, single submitter. Criteria: Invitae Variant Classification Sherloc (09022015). Collection method: clinical testing. Allele origin: germline.
Comment: In summary, the available evidence is currently insufficient to determine the role of this variant in disease. Therefore, it has been classified as a Variant of Uncertain Significance. Experimental studies and prediction algorithms are not available or were not evaluated, and the functional significance of this variant is currently unknown. This variant has not been reported in the literature in individuals affected with NR2E3-related conditions. This variant is not present in population databases (gnomAD no frequency). This sequence change replaces proline, which is neutral and non-polar, with alanine, which is neutral and non-polar, at codon 214 of the NR2E3 protein (p.Pro214Ala).

NM_014249.4(NR2E3):c.640C>G (p.Pro214Ala)

Gene: NR2E3 (nuclear receptor subfamily 2 group E member 3; plus strand). Cytogenetic location: 15q23.
Variant type: single nucleotide variant.
Coding change: c.640C>G on transcript NM_014249.4 (MANE Select); coding-DNA position 640, C replaced by G.
Protein change: p.Pro214Ala; replaces proline 214 with alanine.
Molecular consequence: missense variant.
Genome position (GRCh38, 1-based): chr15:71,812,404, C>G. VCF-style: chr15-71812404-C-G. GRCh37 (hg19) VCF-style: chr15-72104744-C-G.
Other names: c.640C>G, p.Pro214Ala (NM_016346.4); short protein forms P214A.
Identifiers: ClinVar variation 1398825 (VCV001398825.6), dbSNP rs371694743, ClinGen allele CA393035296.
Genomic context (GRCh38, chr15:71,812,404, plus strand): 5'-AATATTGATGTCACCAGCAATGACCCTGAGTTCCCCTCCTCTCCATACTCCTCTTCCTCC[C>G]CCTGCGGCCTGGACAGCATCCATGAGACCTCGGCTCGCCTACTCTTCATGGCCGTCAAGT-3'
Protein context (NP_055064.1, residues 204-224): FPSSPYSSSS[Pro214Ala]CGLDSIHETS